The following is an entry in ClinVar:

NM_000057.4(BLM):c.2782G>T (p.Asp928Tyr)

Gene: BLM (BLM RecQ like helicase; plus strand). Cytogenetic location: 15q26.1.
Variant type: single nucleotide variant.
Coding change: c.2782G>T on transcript NM_000057.4 (MANE Select); coding-DNA position 2782, G replaced by T.
Protein change: p.Asp928Tyr; replaces aspartic acid 928 with tyrosine.
Molecular consequence: missense variant.
Genome position (GRCh38, 1-based): chr15:90,785,040, G>T. VCF-style: chr15-90785040-G-T. GRCh37 (hg19) VCF-style: chr15-91328270-G-T.
Other names: c.2782G>T, p.Asp928Tyr (NM_001287246.2, NM_001287247.2); c.1657G>T, p.Asp553Tyr (NM_001287248.2); short protein forms D553Y, D928Y.
Identifiers: ClinVar variation 2707235 (VCV002707235.3), dbSNP rs2505502069, ClinGen allele CA393846100.
Genomic context (GRCh38, chr15:90,785,040, plus strand): 5'-TTACAGAGAGATGGGCTCGCTGCTCTTGCTTACCATGCTGGCCTCAGTGATTCTGCCAGA[G>T]ATGAAGTGCAGCAGAAGTGGATTAATCAGGATGGCTGTCAGGTAACATTTTTAAAGATAA-3'
Protein context (NP_000048.1, residues 918-938): YHAGLSDSAR[Asp928Tyr]EVQQKWINQD

ClinVar aggregate classification (germline): Uncertain significance (1 of 4 stars; one submission).

Conditions:
Bloom syndrome (BLM). Also called: Bloom-Torre-Machacek syndrome. Identifiers: Orphanet 125, MedGen C0005859, MONDO:0008876, OMIM 210900.

Submission:

Labcorp Genetics (formerly Invitae), Labcorp
Classification: Uncertain significance for Bloom syndrome. Last evaluated: 2024-01-03. Review status: criteria provided, single submitter. Criteria: Invitae Variant Classification Sherloc (09022015). Collection method: clinical testing. Allele origin: germline.
Comment: This sequence change replaces aspartic acid, which is acidic and polar, with tyrosine, which is neutral and polar, at codon 928 of the BLM protein (p.Asp928Tyr). This variant is not present in population databases (gnomAD no frequency). This variant has not been reported in the literature in individuals affected with BLM-related conditions. Advanced modeling of protein sequence and biophysical properties (such as structural, functional, and spatial information, amino acid conservation, physicochemical variation, residue mobility, and thermodynamic stability) performed at Invitae indicates that this missense variant is expected to disrupt BLM protein function with a positive predictive value of 80%. In summary, the available evidence is currently insufficient to determine the role of this variant in disease. Therefore, it has been classified as a Variant of Uncertain Significance.